The following is an entry in ClinVar:

NM_001164508.2(NEB):c.24350C>G (p.Pro8117Arg)

Genes: NEB (nebulin; minus strand), RIF1 (replication timing regulatory factor 1; plus strand). Cytogenetic location: 2q23.3.
Variant type: single nucleotide variant.
Coding change: c.24350C>G on transcript NM_001164508.2 (MANE Select); coding-DNA position 24350, C replaced by G.
Protein change: p.Pro8117Arg; replaces proline 8117 with arginine.
Molecular consequence: missense variant. On other transcripts: intron variant (1).
Genome position (GRCh38, 1-based): chr2:151,496,984, G>C on the plus strand (C>G on the coding strand, the complement: NEB is on the minus strand). VCF-style: chr2-151496984-G-C. GRCh37 (hg19) VCF-style: chr2-152353498-G-C.
Other names: c.24350C>G, p.Pro8117Arg (NM_001164507.2); c.24455C>G, p.Pro8152Arg (NM_001271208.2); c.18826-616C>G (NM_004543.5); short protein forms P8152R, P8117R.
Identifiers: ClinVar variation 2180077 (VCV002180077.4), dbSNP rs541150975, ClinGen allele CA348778555.
Genomic context (GRCh38, chr2:151,496,984, plus strand): 5'-TTTTCTTGCCCAAGTACCGAGCTAATATTTTCTTGATTGTGTTTGACTCTCTCCATCTCA[G>C]GAGTGACAGGTAGAGGGGTTCCCTTGCCCATGTTTTCTTTGTATAACACCTGTGCGATAA-3'
Protein context (NP_001157980.2, residues 8107-8127): MGKGTPLPVT[Pro8117Arg]EMERVKHNQE

ClinVar aggregate classification (germline): Uncertain significance (1 of 4 stars; one submission).

Conditions:
Nemaline myopathy 2 (NEM2). Also called: Nemaline myopathy 2, autosomal recessive. Identifiers: MedGen C1850569, MONDO:0009725, OMIM 256030.

gnomAD v4.1: 1 of 1,581,244 alleles (0.000063%); highest among the groups gnomAD compares: Admixed American, 0.0018%; no homozygotes.

Submission:

Labcorp Genetics (formerly Invitae), Labcorp
Classification: Uncertain significance for Nemaline myopathy 2. Last evaluated: 2022-02-08. Review status: criteria provided, single submitter. Criteria: Invitae Variant Classification Sherloc (09022015). Collection method: clinical testing. Allele origin: germline.
Comment: This variant is not present in population databases (gnomAD no frequency). This sequence change replaces proline, which is neutral and non-polar, with arginine, which is basic and polar, at codon 8152 of the NEB protein (p.Pro8152Arg). This variant has not been reported in the literature in individuals affected with NEB-related conditions. Algorithms developed to predict the effect of missense changes on protein structure and function are either unavailable or do not agree on the potential impact of this missense change (SIFT: "Deleterious"; PolyPhen-2: "Not Available"; Align-GVGD: "Class C0"). Algorithms developed to predict the effect of sequence changes on RNA splicing suggest that this variant may create or strengthen a splice site. In summary, the available evidence is currently insufficient to determine the role of this variant in disease. Therefore, it has been classified as a Variant of Uncertain Significance.